The following is an entry in ClinVar:

NM_000718.4(CACNA1B):c.3541A>G (p.Asn1181Asp)

Gene: CACNA1B (calcium voltage-gated channel subunit alpha1 B; plus strand). Cytogenetic location: 9q34.3.
Variant type: single nucleotide variant.
Coding change: c.3541A>G on transcript NM_000718.4 (MANE Select); coding-DNA position 3541, A replaced by G.
Protein change: p.Asn1181Asp; replaces asparagine 1181 with aspartic acid.
Molecular consequence: missense variant.
Genome position (GRCh38, 1-based): chr9:138,047,031, A>G. VCF-style: chr9-138047031-A-G. GRCh37 (hg19) VCF-style: chr9-140941483-A-G.
Other names: c.3541A>G, p.Asn1181Asp (NM_001243812.2); short protein forms N1181D.
Identifiers: ClinVar variation 1952413 (VCV001952413.3), dbSNP rs2539428917, ClinGen allele CA375811784.
Genomic context (GRCh38, chr9:138,047,031, plus strand): 5'-GCCTTGAGCAGCATCGCCCTGGCTGCTGAGGACCCAGTGCGCACAGACTCGCCCAGGAAC[A>G]ACGTGAGTGGCCCGGATGGCCGGGTCCCCGCCAGGCTGTGGCGGGGGAGCTGGGTGCCTT-3'
Protein context (NP_000709.1, residues 1171-1191): DPVRTDSPRN[Asn1181Asp]ALKYLDYIFT

ClinVar aggregate classification (germline): Uncertain significance (1 of 4 stars; one submission).

Allele frequency attached by ClinVar (database versions not stated): gnomAD exomes 0.00001.
gnomAD v4.1: 3 of 1,607,880 alleles (0.00019%); highest among the groups gnomAD compares: Non-Finnish European, 0.00026%; no homozygotes.

Submission:

Labcorp Genetics (formerly Invitae), Labcorp
Classification: Uncertain significance. Last evaluated: 2021-12-13. Review status: criteria provided, single submitter. Criteria: Invitae Variant Classification Sherloc (09022015). Collection method: clinical testing. Allele origin: germline.
Comment: This sequence change replaces asparagine, which is neutral and polar, with aspartic acid, which is acidic and polar, at codon 1181 of the CACNA1B protein (p.Asn1181Asp). This variant is not present in population databases (gnomAD no frequency). This variant has not been reported in the literature in individuals affected with CACNA1B-related conditions. Algorithms developed to predict the effect of missense changes on protein structure and function (SIFT, PolyPhen-2, Align-GVGD) all suggest that this variant is likely to be tolerated. In summary, the available evidence is currently insufficient to determine the role of this variant in disease. Therefore, it has been classified as a Variant of Uncertain Significance.